The following is an entry in ClinVar:

ClinVar aggregate classification (germline): Benign/Likely benign. Review status: criteria provided, multiple submitters, no conflicts (2 of 4 stars). 4 submissions from 4 submitters: Benign (1); Likely benign (3). Last evaluated 2025-11-17.

Conditions:
Hereditary cancer-predisposing syndrome. Also called: Tumor predisposition; Neoplastic Syndromes, Hereditary; Hereditary Cancer Syndrome; Hereditary neoplastic syndrome. Identifiers: Orphanet 140162, MedGen C0027672, MeSH D009386, MONDO:0015356.
Tuberous sclerosis syndrome (TSC). Also called: Tuberous Sclerosis Complex; Tuberous sclerosis. Identifiers: Orphanet 805, MedGen C0041341, MONDO:0001734.
Tuberous sclerosis 2 (TSC2). Identifiers: Orphanet 805, MedGen C1860707, MONDO:0013199, OMIM 613254.

Allele frequency attached by ClinVar (database versions not stated): TOPMed 0.00001.
gnomAD v4.1: 3 of 1,613,650 alleles (0.00019%); highest among the groups gnomAD compares: Non-Finnish European, 0.00025%; no homozygotes.

Submissions (4):

Labcorp Genetics (formerly Invitae), Labcorp
Classification: Likely benign for Tuberous sclerosis 2. Last evaluated: 2025-11-17. Review status: criteria provided, single submitter. Criteria: Invitae Variant Classification Sherloc (09022015). Collection method: clinical testing. Allele origin: germline.

Color Diagnostics, LLC DBA Color Health
Classification: Likely benign for Tuberous sclerosis syndrome. Last evaluated: 2025-07-25. Review status: criteria provided, single submitter. Criteria: ACMG Guidelines, 2015. Collection method: clinical testing. Allele origin: germline.

Myriad Genetics, Inc.
Classification: Benign for Tuberous sclerosis 2. Last evaluated: 2025-05-19. Review status: criteria provided, single submitter. Criteria: Myriad Autosomal Dominant, Autosomal Recessive and X-Linked Classification Criteria (2023). Collection method: clinical testing. Allele origin: unknown.
Comment: This variant is considered benign. This variant is a silent/synonymous amino acid change and it is not expected to impact splicing.

Ambry Genetics
Classification: Likely benign for Hereditary cancer-predisposing syndrome. Last evaluated: 2022-11-20. Review status: criteria provided, single submitter. Criteria: Ambry Variant Classification Scheme 2023. Collection method: clinical testing. Allele origin: germline.

NM_000548.5(TSC2):c.2301T>G (p.Val767=)

Gene: TSC2 (TSC complex subunit 2; plus strand). Cytogenetic location: 16p13.3.
Variant type: single nucleotide variant.
Coding change: c.2301T>G on transcript NM_000548.5 (MANE Select); coding-DNA position 2301, T replaced by G.
Protein change: p.Val767=; no amino-acid change (valine 767 retained).
Molecular consequence: synonymous variant.
Genome position (GRCh38, 1-based): chr16:2,072,929, T>G. VCF-style: chr16-2072929-T-G. GRCh37 (hg19) VCF-style: chr16-2122930-T-G.
Other names: c.2301T>G, p.Val767= (NM_001077183.3, NM_001114382.3, NM_001363528.2 and 3 more transcripts); c.2190T>G, p.Val730= (NM_001318827.2); c.2154T>G, p.Val718= (NM_001318829.2); c.1701T>G, p.Val567= (NM_001318831.2); c.2334T>G, p.Val778= (NM_001318832.2).
Identifiers: ClinVar variation 413740 (VCV000413740.14), dbSNP rs531724951, ClinGen allele CA16614945.